The following is an entry in ClinVar:

NM_001042681.2(RERE):c.2832C>A (p.Ala944=)

Gene: RERE (arginine-glutamic acid dipeptide repeats; minus strand). Cytogenetic location: 1p36.23.
Variant type: single nucleotide variant.
Coding change: c.2832C>A on transcript NM_001042681.2 (MANE Select); coding-DNA position 2832, C replaced by A.
Protein change: p.Ala944=; no amino-acid change (alanine 944 retained).
Molecular consequence: synonymous variant.
Genome position (GRCh38, 1-based): chr1:8,360,675, G>T on the plus strand (C>A on the coding strand, the complement: RERE is on the minus strand). VCF-style: chr1-8360675-G-T. GRCh37 (hg19) VCF-style: chr1-8420735-G-T.
Other names: c.1170C>A, p.Ala390= (NM_001042682.2); c.2832C>A, p.Ala944= (NM_012102.4).
Identifiers: ClinVar variation 3239434 (VCV003239434.19), dbSNP rs149356659.
Genomic context (GRCh38, chr1:8,360,675, plus strand): 5'-AGGCAGGTTGGCATTCATGGAGAAGGGTGAGGGCCCCGAGAGGTGGGGAGGGTGCTTGTG[G>T]GCCTGTGGCGCCGGCAGCTGGGGGATGGGAGTGGTAGGCGGGGGCTTGATGTGGGGCATG-3'
Protein context (NP_001036146.1, residues 934-954): TPIPQLPAPQ[Ala944=]HKHPPHLSGP

ClinVar aggregate classification (germline): Likely benign (1 of 4 stars; one submission).

Submission:

CeGaT Center for Human Genetics Tuebingen
Classification: Likely benign. Last evaluated: 2024-05-01. Review status: criteria provided, single submitter. Criteria: CeGaT Center For Human Genetics Tuebingen Variant Classification Criteria Version 2. Collection method: clinical testing. Allele origin: germline. Affected: yes. Observed: 1 variant allele.
Comment: RERE: PM2:Supporting, BP4, BP7